The following is an entry in ClinVar:

ClinVar aggregate classification (germline): Uncertain significance (1 of 4 stars; one submission).

Allele frequency attached by ClinVar (database versions not stated): gnomAD exomes below 0.00001.
gnomAD v4.1: 1 of 1,610,784 alleles (0.000062%); highest among the groups gnomAD compares: Non-Finnish European, 0.000085%; no homozygotes.

Submission:

GeneDx
Classification: Uncertain significance. Last evaluated: 2023-01-24. Review status: criteria provided, single submitter. Criteria: GeneDx Variant Classification Process June 2021. Collection method: clinical testing. Allele origin: germline. Affected: yes.
Comment: Not observed at significant frequency in large population cohorts (gnomAD); In silico analysis supports that this missense variant does not alter protein structure/function; Has not been previously published as pathogenic or benign to our knowledge

NM_001077653.2(TBX20):c.121C>T (p.Pro41Ser)

Gene: TBX20 (T-box transcription factor 20; minus strand). Cytogenetic location: 7p14.2.
Variant type: single nucleotide variant.
Coding change: c.121C>T on transcript NM_001077653.2 (MANE Select); coding-DNA position 121, C replaced by T.
Protein change: p.Pro41Ser; replaces proline 41 with serine.
Molecular consequence: missense variant.
Genome position (GRCh38, 1-based): chr7:35,253,500, G>A on the plus strand (C>T on the coding strand, the complement: TBX20 is on the minus strand). VCF-style: chr7-35253500-G-A. GRCh37 (hg19) VCF-style: chr7-35293111-G-A.
Other names: c.121C>T, p.Pro41Ser (NM_001166220.1); short protein forms P41S.
Identifiers: ClinVar variation 2574297 (VCV002574297.1), dbSNP rs2546999394, ClinGen allele CA367265458.